The following is an entry in ClinVar:

NM_012073.5(CCT5):c.198A>G (p.Gly66=)

Gene: CCT5 (chaperonin containing TCP1 subunit 5; plus strand). Cytogenetic location: 5p15.2.
Variant type: single nucleotide variant.
Coding change: c.198A>G on transcript NM_012073.5 (MANE Select); coding-DNA position 198, A replaced by G.
Protein change: p.Gly66=; no amino-acid change (glycine 66 retained).
Molecular consequence: synonymous variant. On other transcripts: intron variant (2).
Genome position (GRCh38, 1-based): chr5:10,254,705, A>G. VCF-style: chr5-10254705-A-G. GRCh37 (hg19) VCF-style: chr5-10254817-A-G.
Other names: p.Gly66=; c.198A>G (NM_012073.4); c.135A>G, p.Gly45= (NM_001306153.1); c.84A>G, p.Gly28= (NM_001306156.2); c.166+500A>G (NM_001306154.2); c.52+500A>G (NM_001306155.2).
Identifiers: ClinVar variation 350248 (VCV000350248.21), dbSNP rs2578617, ClinGen allele CA3198023.

ClinVar aggregate classification (germline): Benign. Review status: criteria provided, multiple submitters, no conflicts (2 of 4 stars). 8 submissions from 8 submitters: Benign (6). 2 of the submissions do not count toward it. Last evaluated 2026-02-03.

Conditions:
Hereditary sensory and autonomic neuropathy with spastic paraplegia (HSNSP). Identifiers: Orphanet 139578, MedGen C1850395, MONDO:0009748, OMIM 256840.

Allele frequency attached by ClinVar (database versions not stated): 1000 Genomes Project 30x 0.67645; 1000 Genomes Project 0.68590; ESP Exome Variant Server 0.71867; TOPMed 0.72701; gnomAD 0.73455 and 0.73756; ExAC 0.78947; gnomAD exomes 0.79908 and 0.83436.
gnomAD v4.1: 1,330,796 of 1,613,310 alleles (82%); highest among the groups gnomAD compares: East Asian, 89%; 556,263 homozygotes.

Submissions (8):

Labcorp Genetics (formerly Invitae), Labcorp
Classification: Benign for Hereditary sensory and autonomic neuropathy with spastic paraplegia. Last evaluated: 2026-02-03. Review status: criteria provided, single submitter. Criteria: Invitae Variant Classification Sherloc (09022015). Collection method: clinical testing. Allele origin: germline.

Genome-Nilou Lab
Classification: Benign for Hereditary sensory and autonomic neuropathy with spastic paraplegia. Last evaluated: 2021-07-14. Review status: criteria provided, single submitter. Criteria: ACMG Guidelines, 2015. Collection method: clinical testing. Allele origin: germline. Affected: no.

Illumina Laboratory Services, Illumina
Classification: Benign for Hereditary sensory and autonomic neuropathy with spastic paraplegia. Last evaluated: 2018-01-12. Review status: criteria provided, single submitter. Criteria: ICSL Variant Classification Criteria 13 December 2019. Collection method: clinical testing. Allele origin: germline.
Comment: This variant was observed in the ICSL laboratory as part of a predisposition screen in an ostensibly healthy population. It had not been previously curated by ICSL or reported in the Human Gene Mutation Database (HGMD: prior to June 1st, 2018), and was therefore a candidate for classification through an automated scoring system. Utilizing variant allele frequency, disease prevalence and penetrance estimates, and inheritance mode, an automated score was calculated to assess if this variant is too frequent to cause the disease. Based on the score and internal cut-off values, a variant classified as benign is not then subjected to further curation. The score for this variant resulted in a classification of benign for this disease.

Mayo Clinic Laboratories, Mayo Clinic
Classification: Benign. Last evaluated: 2015-08-21. Review status: criteria provided, single submitter. Criteria: ACMG Guidelines, 2015. Collection method: clinical testing. Allele origin: germline. Observed: 738 variant alleles.

GeneDx
Classification: Benign. Last evaluated: 2015-03-03. Review status: criteria provided, single submitter. Criteria: GeneDx Variant Classification Process June 2021. Collection method: clinical testing. Allele origin: germline. Affected: yes.

Breakthrough Genomics
Classification: Benign. Review status: criteria provided, single submitter. Criteria: ACMG Guidelines, 2015. Collection method: not provided. Allele origin: germline. Inheritance: Autosomal recessive inheritance. Affected: yes.

Clinical Genetics, Academic Medical Center
Classification: Benign. Review status: no assertion criteria provided. Collection method: clinical testing. Allele origin: germline. Affected: yes. Study: VKGL Data-share Consensus. Not counted in ClinVar's aggregate classification.

Diagnostic Laboratory, Department of Genetics, University Medical Center Groningen
Classification: Benign for Hereditary sensory and autonomic neuropathy with spastic paraplegia. Review status: no assertion criteria provided. Collection method: clinical testing. Allele origin: germline. Affected: yes. Study: VKGL Data-share Consensus. Not counted in ClinVar's aggregate classification.